The following is an entry in ClinVar:

ClinVar aggregate classification (germline): Uncertain significance (1 of 4 stars; one submission).

Conditions:
Pancreatic adenocarcinoma. Identifiers: MedGen C0281361, MONDO:0006047, HP:0006725.

Submission:

Labcorp Genetics (formerly Invitae), Labcorp
Classification: Uncertain significance for Pancreatic adenocarcinoma. Last evaluated: 2022-02-17. Review status: criteria provided, single submitter. Criteria: Invitae Variant Classification Sherloc (09022015). Collection method: clinical testing. Allele origin: germline.
Comment: This sequence change replaces arginine, which is basic and polar, with proline, which is neutral and non-polar, at codon 404 of the PALLD protein (p.Arg404Pro). This variant is not present in population databases (gnomAD no frequency). This variant has not been reported in the literature in individuals affected with PALLD-related conditions. Algorithms developed to predict the effect of missense changes on protein structure and function are either unavailable or do not agree on the potential impact of this missense change (SIFT: "Deleterious"; PolyPhen-2: "Benign"; Align-GVGD: "Class C65"). In summary, the available evidence is currently insufficient to determine the role of this variant in disease. Therefore, it has been classified as a Variant of Uncertain Significance.

NM_001166108.2(PALLD):c.2723G>C (p.Arg908Pro)

Genes: CBR4 (carbonyl reductase 4; minus strand), PALLD (palladin, cytoskeletal associated protein; plus strand). Cytogenetic location: 4q32.3.
Variant type: single nucleotide variant.
Coding change: c.2723G>C on transcript NM_001166108.2 (MANE Select); coding-DNA position 2723, G replaced by C.
Protein change: p.Arg908Pro; replaces arginine 908 with proline.
Molecular consequence: missense variant.
Genome position (GRCh38, 1-based): chr4:168,915,900, G>C. VCF-style: chr4-168915900-G-C. GRCh37 (hg19) VCF-style: chr4-169837051-G-C.
Other names: c.1526G>C, p.Arg509Pro (NM_001166109.2); c.1211G>C, p.Arg404Pro (NM_001166110.2); c.551G>C, p.Arg184Pro (NM_001367567.1, NM_001367569.1); c.602G>C, p.Arg201Pro (NM_001367568.1, NM_001367570.1); c.2672G>C, p.Arg891Pro (NM_016081.4); short protein forms R184P, R509P, R201P, R891P, R908P, R404P.
Identifiers: ClinVar variation 1347788 (VCV001347788.8), dbSNP rs114171764, ClinGen allele CA358706300.
Genomic context (GRCh38, chr4:168,915,900, plus strand): 5'-CTGGAAGTAACTACTATCTATATTTCTATCTATCTGTCATCTTTCTTGTTTCAAGGCCTC[G>C]TTCTAGATCAAGGGACAGTGGAGACGAAAATGAACCAATTCAGGAGCGATTCTTCAGACC-3'
Protein context (NP_001159580.1, residues 898-918): PSGHPHVRRP[Arg908Pro]SRSRDSGDEN